The following is an entry in ClinVar:

ClinVar aggregate classification (germline): Uncertain significance (1 of 4 stars; one submission).

Allele frequency attached by ClinVar (database versions not stated): gnomAD 0.00004; gnomAD exomes 0.00005; ExAC 0.00016; TOPMed 0.00002; 1000 Genomes Project 0.00040; 1000 Genomes Project 30x 0.00047.
gnomAD v4.1: 84 of 1,614,048 alleles (0.0052%); highest among the groups gnomAD compares: South Asian, 0.0077%; no homozygotes.

Submission:

Labcorp Genetics (formerly Invitae), Labcorp
Classification: Uncertain significance. Last evaluated: 2025-12-23. Review status: criteria provided, single submitter. Criteria: Invitae Variant Classification Sherloc (09022015). Collection method: clinical testing. Allele origin: germline.
Comment: This sequence change replaces arginine, which is basic and polar, with histidine, which is basic and polar, at codon 1160 of the TAOK2 protein (p.Arg1160His). This variant is present in population databases (rs200334119, gnomAD 0.04%), and has an allele count higher than expected for a pathogenic variant. This variant has not been reported in the literature in individuals affected with TAOK2-related conditions. ClinVar contains an entry for this variant (Variation ID: 2978827). An algorithm developed to predict the effect of missense changes on protein structure and function outputs the following: PolyPhen-2: "Benign". The histidine amino acid residue is found in multiple mammalian species, which suggests that this missense change does not adversely affect protein function. In summary, the available evidence is currently insufficient to determine the role of this variant in disease. Therefore, it has been classified as a Variant of Uncertain Significance.

NM_016151.4(TAOK2):c.3479G>A (p.Arg1160His)

Gene: TAOK2 (TAO kinase 2; plus strand). Cytogenetic location: 16p11.2.
Variant type: single nucleotide variant.
Coding change: c.3479G>A on transcript NM_016151.4 (MANE Select); coding-DNA position 3479, G replaced by A.
Protein change: p.Arg1160His; replaces arginine 1160 with histidine.
Molecular consequence: missense variant. On other transcripts: intron variant (1).
Genome position (GRCh38, 1-based): chr16:29,987,751, G>A. VCF-style: chr16-29987751-G-A. GRCh37 (hg19) VCF-style: chr16-29999072-G-A.
Other names: c.3140G>A, p.Arg1047His (NM_001252043.2); c.2232+1247G>A (NM_004783.4); short protein forms R1047H, R1160H.
Identifiers: ClinVar variation 2978827 (VCV002978827.3), dbSNP rs200334119, ClinGen allele CA7998578.